The following is an entry in ClinVar:

ClinVar aggregate classification (germline): Likely pathogenic (1 of 4 stars; one submission).

Conditions:
Cataract 14 multiple types. Also called: CATARACT 14, ZONULAR PULVERULENT; CATARACT 14, NUCLEAR PULVERULENT; CATARACT 14, NUCLEAR PULVERULENT AND POSTERIOR POLAR; CATARACT 14, NUCLEAR CORALLIFORM; CATARACT 14, EMBRYONAL NUCLEAR; CATARACT 14, COPPOCK-LIKE. Identifiers: Orphanet 91492, MedGen C1866078, MONDO:0011162, OMIM 601885.

Submission:

Dept. Genetics and Cancer, Menzies Institute for Medical Research, University of Tasmania
Classification: Likely pathogenic for Cataract 14 multiple types. Last evaluated: 2023-01-21. Review status: criteria provided, single submitter. Criteria: ACMG Guidelines, 2015. Collection method: curation. Allele origin: germline. Affected: yes.
Comment: Variant identified and curated during a GJA3 specific review of the literature in relation to pediatric or congenital cataract. ACMG-AMP criteria applied: PP1(Strong), PM1, PM2(Supporting), PP3. Original variant report: PMID:26683566. The cataract phenotype reported for this variant is: Nuclear. Gene review and curation guidelines are outlined in: DOI 10.1080/17469899.2023.2160320

Literature cited by the submitters: PubMed 26683566.

NM_021954.4(GJA3):c.143A>G (p.Glu48Gly)

Gene: GJA3 (gap junction protein alpha 3; minus strand). Cytogenetic location: 13q12.11.
Variant type: single nucleotide variant.
Coding change: c.143A>G on transcript NM_021954.4 (MANE Select); coding-DNA position 143, A replaced by G.
Protein change: p.Glu48Gly; replaces glutamic acid 48 with glycine.
Molecular consequence: missense variant.
Genome position (GRCh38, 1-based): chr13:20,143,146, T>C on the plus strand (A>G on the coding strand, the complement: GJA3 is on the minus strand). VCF-style: chr13-20143146-T-C. GRCh37 (hg19) VCF-style: chr13-20717285-T-C.
Other names: short protein forms E48G.
Identifiers: ClinVar variation 3253683 (VCV003253683.1), dbSNP rs2500174104.